The following is an entry in ClinVar:

NM_001111125.3(IQSEC2):c.1676C>T (p.Pro559Leu)

Gene: IQSEC2 (IQ motif and Sec7 domain ArfGEF 2; minus strand). Cytogenetic location: Xp11.22.
Variant type: single nucleotide variant.
Coding change: c.1676C>T on transcript NM_001111125.3 (MANE Select); coding-DNA position 1676, C replaced by T.
Protein change: p.Pro559Leu; replaces proline 559 with leucine.
Molecular consequence: missense variant.
Genome position (GRCh38, 1-based): chrX:53,250,900, G>A on the plus strand (C>T on the coding strand, the complement: IQSEC2 is on the minus strand). VCF-style: chrX-53250900-G-A. GRCh37 (hg19) VCF-style: chrX-53280082-G-A.
Other names: c.1061C>T, p.Pro354Leu (NM_015075.2); short protein forms P354L, P559L.
Identifiers: ClinVar variation 1008620 (VCV001008620.9), dbSNP rs2074377574, ClinGen allele CA413164638.
Genomic context (GRCh38, chrX:53,250,900, plus strand): 5'-AAGCACCCGGGACCCCTGCGAGTGCCTTCCTCACGGCTACCGTCTTCCCGGGTTCCTGAT[G>A]GCACTGGTGGAGGAACTGGCGGGAGAGGGGCTGGCGCCCAGAACTCGGGCCGGCCCTGGG-3'
Protein context (NP_001104595.1, residues 549-569): APLPPVPPPV[Pro559Leu]SGTREDGSRE

ClinVar aggregate classification (germline): Uncertain significance (1 of 4 stars; one submission).

Conditions:
Intellectual developmental disorder, X-linked 1. Also called: Atkin Flaitz Patil Smith syndrome; Intellectual disability, X-linked 1; MENTAL RETARDATION, X-LINKED 18; MENTAL RETARDATION, X-LINKED 78. Identifiers: Orphanet 777, MedGen C2931498, MONDO:0010656, OMIM 309530.

Allele frequency attached by ClinVar (database versions not stated): gnomAD exomes below 0.00001.

Submission:

Labcorp Genetics (formerly Invitae), Labcorp
Classification: Uncertain significance for Intellectual developmental disorder, X-linked 1. Last evaluated: 2022-06-13. Review status: criteria provided, single submitter. Criteria: Invitae Variant Classification Sherloc (09022015). Collection method: clinical testing. Allele origin: germline.
Comment: This sequence change replaces proline, which is neutral and non-polar, with leucine, which is neutral and non-polar, at codon 559 of the IQSEC2 protein (p.Pro559Leu). In summary, the available evidence is currently insufficient to determine the role of this variant in disease. Therefore, it has been classified as a Variant of Uncertain Significance. Advanced modeling of protein sequence and biophysical properties (such as structural, functional, and spatial information, amino acid conservation, physicochemical variation, residue mobility, and thermodynamic stability) performed at Invitae indicates that this missense variant is not expected to disrupt IQSEC2 protein function. ClinVar contains an entry for this variant (Variation ID: 1008620). This variant has not been reported in the literature in individuals affected with IQSEC2-related conditions. This variant is not present in population databases (gnomAD no frequency).